The following is an entry in ClinVar:

ClinVar aggregate classification (germline): Uncertain significance (1 of 4 stars; one submission).

Conditions:
Cystic fibrosis (CF). Also called: MUCOVISCIDOSIS. Identifiers: Orphanet 586, MedGen C0010674, MONDO:0009061, OMIM 219700. Disease mechanism: loss of function.

Allele frequency attached by ClinVar (database versions not stated): ESP Exome Variant Server 0.00008; gnomAD exomes below 0.00001.

Submission:

Ambry Genetics
Classification: Uncertain significance for Cystic fibrosis. Last evaluated: 2022-05-12. Review status: criteria provided, single submitter. Criteria: Ambry Variant Classification Scheme 2023. Collection method: clinical testing. Allele origin: germline.
Comment: The p.I340V variant (also known as c.1018A>G), located in coding exon 8 of the CFTR gene, results from an A to G substitution at nucleotide position 1018. The isoleucine at codon 340 is replaced by valine, an amino acid with highly similar properties. This amino acid position is conserved. In addition, the in silico prediction for this alteration is inconclusive. Since supporting evidence is limited at this time, the clinical significance of this alteration remains unclear.

NM_000492.4(CFTR):c.1018A>G (p.Ile340Val)

Gene: CFTR (CF transmembrane conductance regulator; plus strand). Cytogenetic location: 7q31.2.
Variant type: single nucleotide variant.
Coding change: c.1018A>G on transcript NM_000492.4 (MANE Select); coding-DNA position 1018, A replaced by G.
Protein change: p.Ile340Val; replaces isoleucine 340 with valine.
Molecular consequence: missense variant.
Genome position (GRCh38, 1-based): chr7:117,540,248, A>G. VCF-style: chr7-117540248-A-G. GRCh37 (hg19) VCF-style: chr7-117180302-A-G.
Other names: short protein forms I340V.
Identifiers: ClinVar variation 1749889 (VCV001749889.2), dbSNP rs150239014, ClinGen allele CA164953763.